The following is an entry in ClinVar:

NM_001365536.1(SCN9A):c.3464T>G (p.Phe1155Cys)

Genes: SCN9A (sodium voltage-gated channel alpha subunit 9; minus strand), SCN1A-AS1 (SCN1A and SCN9A antisense RNA 1; plus strand). Cytogenetic location: 2q24.3.
Variant type: single nucleotide variant.
Coding change: c.3464T>G on transcript NM_001365536.1 (MANE Select); coding-DNA position 3464, T replaced by G.
Protein change: p.Phe1155Cys; replaces phenylalanine 1155 with cysteine.
Molecular consequence: missense variant.
Genome position (GRCh38, 1-based): chr2:166,251,773, A>C on the plus strand (T>G on the coding strand, the complement: SCN9A is on the minus strand). VCF-style: chr2-166251773-A-C. GRCh37 (hg19) VCF-style: chr2-167108283-A-C.
Other names: c.3431T>G, p.Phe1144Cys (NM_002977.4); short protein forms F1144C, F1155C.
Identifiers: ClinVar variation 2097255 (VCV002097255.4), dbSNP rs750839038, ClinGen allele CA349071734.

ClinVar aggregate classification (germline): Uncertain significance (1 of 4 stars; one submission).

Conditions:
Generalized epilepsy with febrile seizures plus, type 7 (GEFSP7). Also called: GEFS+, TYPE 7. Identifiers: Orphanet 36387, MedGen C2751778, MONDO:0013470, OMIM 613863.
Neuropathy, hereditary sensory and autonomic, type 2A (HSAN2A). Also called: ACROOSTEOLYSIS, GIACCAI TYPE; ACROOSTEOLYSIS, NEUROGENIC; HSAN IIA; MORVAN DISEASE; NEUROPATHY, CONGENITAL SENSORY; NEUROPATHY, HEREDITARY SENSORY RADICULAR, AUTOSOMAL RECESSIVE. Identifiers: Orphanet 970, MedGen C2752089, MONDO:0024309, OMIM 201300.

Submission:

Labcorp Genetics (formerly Invitae), Labcorp
Classification: Uncertain significance for Neuropathy, hereditary sensory and autonomic, type 2A; Generalized epilepsy with febrile seizures plus, type 7. Last evaluated: 2022-02-12. Review status: criteria provided, single submitter. Criteria: Invitae Variant Classification Sherloc (09022015). Collection method: clinical testing. Allele origin: germline.
Comment: This sequence change replaces phenylalanine, which is neutral and non-polar, with cysteine, which is neutral and slightly polar, at codon 1144 of the SCN9A protein (p.Phe1144Cys). This variant is not present in population databases (gnomAD no frequency). This variant has not been reported in the literature in individuals affected with SCN9A-related conditions. Algorithms developed to predict the effect of missense changes on protein structure and function are either unavailable or do not agree on the potential impact of this missense change (SIFT: "Tolerated"; PolyPhen-2: "Probably Damaging"; Align-GVGD: "Class C0"). In summary, the available evidence is currently insufficient to determine the role of this variant in disease. Therefore, it has been classified as a Variant of Uncertain Significance.